The following is an entry in ClinVar:

ClinVar aggregate classification (germline): Uncertain significance. Review status: criteria provided, multiple submitters, no conflicts (2 of 4 stars). 2 submissions from 2 submitters: Uncertain significance (2). Last evaluated 2025-03-26.

Allele frequency attached by ClinVar (database versions not stated): ExAC 0.00005; gnomAD 0.00006; gnomAD exomes 0.00007 and 0.00011; TOPMed 0.00010.
gnomAD v4.1: 178 of 1,613,900 alleles (0.011%); highest among the groups gnomAD compares: Middle Eastern, 0.016%; no homozygotes.

Submissions (2):

Ambry Genetics
Classification: Uncertain significance. Last evaluated: 2025-03-26. Review status: criteria provided, single submitter. Criteria: Ambry Variant Classification Scheme 2023. Collection method: clinical testing. Allele origin: germline.

Labcorp Genetics (formerly Invitae), Labcorp
Classification: Uncertain significance. Last evaluated: 2024-07-01. Review status: criteria provided, single submitter. Criteria: Invitae Variant Classification Sherloc (09022015). Collection method: clinical testing. Allele origin: germline.
Comment: This sequence change replaces glycine, which is neutral and non-polar, with arginine, which is basic and polar, at codon 159 of the CELSR2 protein (p.Gly159Arg). This variant is present in population databases (rs758600773, gnomAD 0.01%). This variant has not been reported in the literature in individuals affected with CELSR2-related conditions. ClinVar contains an entry for this variant (Variation ID: 1361646). An algorithm developed to predict the effect of missense changes on protein structure and function (PolyPhen-2) suggests that this variant is likely to be tolerated. In summary, the available evidence is currently insufficient to determine the role of this variant in disease. Therefore, it has been classified as a Variant of Uncertain Significance.

NM_001408.3(CELSR2):c.475G>A (p.Gly159Arg)

Gene: CELSR2 (cadherin EGF LAG seven-pass G-type receptor 2; plus strand). Cytogenetic location: 1p13.3.
Variant type: single nucleotide variant.
Coding change: c.475G>A on transcript NM_001408.3 (MANE Select); coding-DNA position 475, G replaced by A.
Protein change: p.Gly159Arg; replaces glycine 159 with arginine.
Molecular consequence: missense variant.
Genome position (GRCh38, 1-based): chr1:109,250,554, G>A. VCF-style: chr1-109250554-G-A. GRCh37 (hg19) VCF-style: chr1-109793176-G-A.
Other names: c.475G>A (NM_001408.2); short protein forms G159R.
Identifiers: ClinVar variation 1361646 (VCV001361646.7), dbSNP rs758600773, ClinGen allele CA986393.